The following is an entry in ClinVar:

NM_004655.4(AXIN2):c.1924_1926del (p.Lys642del)

Gene: AXIN2 (axin 2; minus strand). Cytogenetic location: 17q24.1.
Variant type: Deletion.
Coding change: c.1924_1926del on transcript NM_004655.4 (MANE Select); coding-DNA positions 1924 to 1926, 3 bases deleted (AAG; older notation c.1924_1926delAAG).
Protein change: p.Lys642del; deletes lysine 642.
Molecular consequence: inframe deletion.
Genome position (GRCh38, 1-based): chr17:65,536,535-65,536,537, CTT deleted on the plus strand (AAG on the coding strand, the reverse complement: AXIN2 is on the minus strand). VCF-style (leftmost placement, unchanged base first): chr17-65536534-CCTT-C. GRCh37 (hg19) VCF-style: chr17-63532652-CCTT-C.
Other names: c.1729_1731del, p.Lys577del (NM_001363813.1); short protein forms K642del, K577del.
Identifiers: ClinVar variation 1948036 (VCV001948036.5), dbSNP rs2509403683, ClinGen allele CA2580094678.

ClinVar aggregate classification (germline): Uncertain significance (1 of 4 stars; one submission).

Conditions:
Oligodontia-cancer predisposition syndrome. Also called: TOOTH AGENESIS-COLORECTAL CANCER SYNDROME. Identifiers: Orphanet 300576, MedGen C1837750, MONDO:0012075, OMIM 608615. Disease mechanism: loss of function.

Submission:

Labcorp Genetics (formerly Invitae), Labcorp
Classification: Uncertain significance for Oligodontia-cancer predisposition syndrome. Last evaluated: 2024-04-10. Review status: criteria provided, single submitter. Criteria: Invitae Variant Classification Sherloc (09022015). Collection method: clinical testing. Allele origin: germline.
Comment: This variant, c.1924_1926del, results in the deletion of 1 amino acid(s) of the AXIN2 protein (p.Lys642del), but otherwise preserves the integrity of the reading frame. This variant is not present in population databases (gnomAD no frequency). This variant has not been reported in the literature in individuals affected with AXIN2-related conditions. ClinVar contains an entry for this variant (Variation ID: 1948036). Experimental studies and prediction algorithms are not available or were not evaluated, and the functional significance of this variant is currently unknown. In summary, the available evidence is currently insufficient to determine the role of this variant in disease. Therefore, it has been classified as a Variant of Uncertain Significance.